The following is an entry in ClinVar:

NM_001283009.2(RTEL1):c.670A>G (p.Met224Val)

Genes: RTEL1 (regulator of telomere elongation helicase 1; plus strand), RTEL1-TNFRSF6B (RTEL1-TNFRSF6B readthrough (NMD candidate); plus strand). Cytogenetic location: 20q13.33.
Variant type: single nucleotide variant.
Coding change: c.670A>G on transcript NM_001283009.2 (MANE Select); coding-DNA position 670, A replaced by G.
Protein change: p.Met224Val; replaces methionine 224 with valine.
Molecular consequence: missense variant. On other transcripts: non-coding transcript variant (1), initiator codon variant (1).
Genome position (GRCh38, 1-based): chr20:63,667,524, A>G. VCF-style: chr20-63667524-A-G. GRCh37 (hg19) VCF-style: chr20-62298877-A-G.
Other names: c.742A>G, p.Met248Val (NM_032957.5); c.1A>G, p.Met1Val (NM_001283010.1); c.670A>G, p.Met224Val (NM_016434.4); short protein forms M1V, M224V, M248V.
Identifiers: ClinVar variation 3749100 (VCV003749100.3).

ClinVar aggregate classification (germline): Uncertain significance. Review status: criteria provided, multiple submitters, no conflicts (2 of 4 stars). 2 submissions from 2 submitters: Uncertain significance (2). Last evaluated 2025-02-08.

Conditions:
Pulmonary fibrosis and/or bone marrow failure, Telomere-related, 3. Also called: PULMONARY FIBROSIS AND/OR BONE MARROW FAILURE SYNDROME, TELOMERE-RELATED, 3. Identifiers: Orphanet 2032, MedGen C4225346, MONDO:0014613, OMIM 616373.
Dyskeratosis congenita, autosomal recessive 5 (DKCB5). Identifiers: MedGen C3554656, MONDO:0014076, OMIM 615190.
Inborn genetic diseases. Identifiers: MedGen C0950123, MeSH D030342.

Submissions (2):

Ambry Genetics
Classification: Uncertain significance for Inborn genetic diseases. Last evaluated: 2025-02-08. Review status: criteria provided, single submitter. Criteria: Ambry Variant Classification Scheme 2023. Collection method: clinical testing. Allele origin: germline.
Comment: The p.M224V variant (also known as c.670A>G), located in coding exon 7 of the RTEL1 gene, results from an A to G substitution at nucleotide position 670. The methionine at codon 224 is replaced by valine, an amino acid with highly similar properties. This amino acid position is conserved. In addition, this alteration is predicted to be deleterious by in silico analysis. Based on the available evidence, the clinical significance of this variant remains unclear.

Labcorp Genetics (formerly Invitae), Labcorp
Classification: Uncertain significance for Dyskeratosis congenita, autosomal recessive 5; Pulmonary fibrosis and/or bone marrow failure, Telomere-related, 3. Last evaluated: 2024-07-24. Review status: criteria provided, single submitter. Criteria: Invitae Variant Classification Sherloc (09022015). Collection method: clinical testing. Allele origin: germline.
Comment: This sequence change replaces methionine, which is neutral and non-polar, with valine, which is neutral and non-polar, at codon 224 of the RTEL1 protein (p.Met224Val). This variant is not present in population databases (gnomAD no frequency). This variant has not been reported in the literature in individuals affected with RTEL1-related conditions. An algorithm developed to predict the effect of missense changes on protein structure and function (PolyPhen-2) suggests that this variant is likely to be disruptive. In summary, the available evidence is currently insufficient to determine the role of this variant in disease. Therefore, it has been classified as a Variant of Uncertain Significance.